The following is an entry in ClinVar:

NM_022124.6(CDH23):c.3241C>T (p.Arg1081Ter)

Genes: C10orf105 (chromosome 10 open reading frame 105; minus strand), CDH23 (cadherin related 23; plus strand). Cytogenetic location: 10q22.1.
Variant type: single nucleotide variant.
Coding change: c.3241C>T on transcript NM_022124.6 (MANE Select); coding-DNA position 3241, C replaced by T.
Protein change: p.Arg1081Ter; replaces arginine 1081 with a stop codon.
Molecular consequence: nonsense. On other transcripts: 3 prime UTR variant (2).
Genome position (GRCh38, 1-based): chr10:71,712,685, C>T. VCF-style: chr10-71712685-C-T. GRCh37 (hg19) VCF-style: chr10-73472442-C-T.
Other names: c.*3251G>A (NM_001164375.3, NM_001168390.2); c.3241C>T, p.Arg1081Ter (NM_001171930.2); short protein forms R1081*.
Identifiers: ClinVar variation 521399 (VCV000521399.16), dbSNP rs866435331, ClinGen allele CA209465100.

ClinVar aggregate classification (germline): Pathogenic. Review status: criteria provided, multiple submitters, no conflicts (2 of 4 stars). 6 submissions from 6 submitters: Pathogenic (5). 1 of the submissions does not count toward it. Last evaluated 2024-03-26.

Conditions:
Inborn genetic diseases. Identifiers: MedGen C0950123, MeSH D030342.
Pituitary adenoma 5, multiple types. Identifiers: MedGen C4539685, MONDO:0054601, OMIM 617540.
Usher syndrome type 1 (USH1). Also called: RETINITIS PIGMENTOSA AND CONGENITAL DEAFNESS. Identifiers: Orphanet 231169, Orphanet 886, MedGen C1568247, MONDO:0010168, OMIM 276900.
Usher syndrome type 1D (USH1D). Also called: USHER SYNDROME, TYPE ID. Identifiers: Orphanet 231169, Orphanet 886, MedGen C1832845, MONDO:0010984, OMIM 601067.

Allele frequency attached by ClinVar (database versions not stated): gnomAD exomes below 0.00001; gnomAD 0.00001.
gnomAD v4.1: 3 of 1,613,560 alleles (0.00019%); highest among the groups gnomAD compares: Admixed American, 0.0017%; no homozygotes.

Submissions (6):

Labcorp Genetics (formerly Invitae), Labcorp
Classification: Pathogenic. Last evaluated: 2024-03-26. Review status: criteria provided, single submitter. Criteria: Invitae Variant Classification Sherloc (09022015). Collection method: clinical testing. Allele origin: germline.
Comment: This sequence change creates a premature translational stop signal (p.Arg1081*) in the CDH23 gene. It is expected to result in an absent or disrupted protein product. Loss-of-function variants in CDH23 are known to be pathogenic (PMID: 11138009, 21940737). This variant is not present in population databases (gnomAD no frequency). This premature translational stop signal has been observed in individual(s) with deafness (PMID: 20613545). This variant is also known as p.R1086X. ClinVar contains an entry for this variant (Variation ID: 521399). For these reasons, this variant has been classified as Pathogenic.

Baylor Genetics
Classification: Pathogenic for Pituitary adenoma 5, multiple types. Last evaluated: 2023-11-18. Review status: criteria provided, single submitter. Criteria: ACMG Guidelines, 2015. Collection method: clinical testing. Allele origin: unknown.

GeneDx
Classification: Pathogenic. Last evaluated: 2023-09-18. Review status: criteria provided, single submitter. Criteria: GeneDx Variant Classification Process June 2021. Collection method: clinical testing. Allele origin: germline. Affected: yes.
Comment: Identified in a patient with hearing loss in published literature, but patient-specific clinical information was not provided (Kimberling et al., 2010); Nonsense variant predicted to result in protein truncation or nonsense mediated decay in a gene for which loss-of-function is a known mechanism of disease; Not observed at significant frequency in large population cohorts (gnomAD); This variant is associated with the following publications: (PMID: 25525159, 20613545, 35020051)

Johns Hopkins Genomics, Johns Hopkins University
Classification: Pathogenic for Usher syndrome type 1D. Last evaluated: 2021-12-02. Review status: criteria provided, single submitter. Criteria: ACMG Guidelines, 2015. Collection method: clinical testing. Allele origin: germline.

Ambry Genetics
Classification: Pathogenic for Inborn genetic diseases. Last evaluated: 2017-02-01. Review status: criteria provided, single submitter. Criteria: Ambry exome assertion method (8-5-2015). Collection method: clinical testing. Allele origin: germline. Affected: yes. Observed: 2 variant alleles.

Natera, Inc.
Classification: Pathogenic for Usher syndrome type 1. Last evaluated: 2020-11-23. Review status: no assertion criteria provided. Collection method: clinical testing. Allele origin: germline. Not counted in ClinVar's aggregate classification.

Literature cited by the submitters: PubMed 11138009 (cited by Labcorp Genetics (formerly Invitae), Labcorp and Johns Hopkins Genomics, Johns Hopkins University); PubMed 21940737 (cited by Labcorp Genetics (formerly Invitae), Labcorp and Johns Hopkins Genomics, Johns Hopkins University); PubMed 20613545 (cited by Labcorp Genetics (formerly Invitae), Labcorp and Johns Hopkins Genomics, Johns Hopkins University); PubMed 11090341 (cited by Johns Hopkins Genomics, Johns Hopkins University).